The following is an entry in ClinVar:

ClinVar aggregate classification (germline): Conflicting classifications of pathogenicity. Review status: criteria provided, conflicting classifications (1 of 4 stars). 3 submissions from 3 submitters: Uncertain significance (1); Benign (1); Likely benign (1). Last evaluated 2025-11-05.

Conditions:
Collagen 6-related myopathy. Identifiers: MedGen CN117976, MONDO:0100225.
Bethlem myopathy 1A. Also called: MYOPATHY, BENIGN CONGENITAL, WITH CONTRACTURES; Bethlem myopathy 1; Bethlem Muscular Dystrophy. Identifiers: Orphanet 610, MedGen CN029274, MONDO:0024530, OMIM 158810.

Allele frequency attached by ClinVar (database versions not stated): gnomAD exomes 0.00004 and 0.00010; ExAC 0.00005; TOPMed 0.00005; gnomAD 0.00006 and 0.00007.
gnomAD v4.1: 74 of 1,595,958 alleles (0.0046%); highest among the groups gnomAD compares: Middle Eastern, 0.016%; no homozygotes.

Submissions (3):

Labcorp Genetics (formerly Invitae), Labcorp
Classification: Benign for Bethlem myopathy 1A. Last evaluated: 2025-11-05. Review status: criteria provided, single submitter. Criteria: Invitae Variant Classification Sherloc (09022015). Collection method: clinical testing. Allele origin: germline.

Mayo Clinic Laboratories, Mayo Clinic
Classification: Likely benign. Last evaluated: 2025-06-17. Review status: criteria provided, single submitter. Criteria: ACMG Guidelines, 2015. Collection method: clinical testing. Allele origin: germline. Observed: 1 variant allele.
Comment: BS1, BP4, BP7

Illumina Laboratory Services, Illumina
Classification: Uncertain significance for Collagen VI-related myopathy. Last evaluated: 2018-01-13. Review status: criteria provided, single submitter. Criteria: ICSL Variant Classification Criteria 13 December 2019. Collection method: clinical testing. Allele origin: germline.

NM_004369.4(COL6A3):c.1313-7C>T

Gene: COL6A3 (collagen type VI alpha 3 chain; minus strand). Cytogenetic location: 2q37.3.
Variant type: single nucleotide variant.
Coding change: c.1313-7C>T on transcript NM_004369.4 (MANE Select); 7 bases into the intron before coding-DNA position 1313, C replaced by T.
Molecular consequence: intron variant.
Genome position (GRCh38, 1-based): chr2:237,381,506, G>A on the plus strand (C>T on the coding strand, the complement: COL6A3 is on the minus strand). VCF-style: chr2-237381506-G-A. GRCh37 (hg19) VCF-style: chr2-238290149-G-A.
Other names: p.?; c.92-7C>T (NM_057166.5, NM_057164.5); c.695-7C>T (NM_057167.4, NM_057165.5).
Identifiers: ClinVar variation 335142 (VCV000335142.16), dbSNP rs764201905, ClinGen allele CA2189642.